The following is an entry in ClinVar:

NM_007294.4(BRCA1):c.4532dup (p.His1511fs)

Gene: BRCA1 (BRCA1 DNA repair associated; minus strand). Cytogenetic location: 17q21.31.
Variant type: Duplication.
Coding change: c.4532dup on transcript NM_007294.4 (MANE Select); coding-DNA position 4532, one base duplicated (A; older notation c.4532dupA).
Protein change: p.His1511fs; shifts the reading frame from histidine 1511.
Molecular consequence: frameshift variant. On other transcripts: non-coding transcript variant (1).
Genome position (GRCh38, 1-based): chr17:43,074,474, T duplicated on the plus strand (A on the coding strand, the reverse complement: BRCA1 is on the minus strand). VCF-style (leftmost placement, unchanged base first): chr17-43074473-G-GT. GRCh37 (hg19) VCF-style: chr17-41226490-G-GT.
Other names: c.4532dupA (NM_007294.3); c.1223dup, p.His408Glnfs (NM_001407974.1, NM_001407975.1, NM_001407976.1 and 3 more transcripts); c.1220dup, p.His407Glnfs (NM_001407979.1, NM_001407980.1, NM_001407981.1 and 12 more transcripts); c.1217dup, p.His406Glnfs (NM_001408392.1, NM_001408396.1, NM_001408397.1 and 8 more transcripts); c.1214dup, p.His405Glnfs (NM_001408406.1, NM_001408407.1, NM_001408408.1); c.1211dup, p.His404Glnfs (NM_001408409.1); c.1148dup, p.His383Glnfs (NM_001408410.1); c.1145dup, p.His382Glnfs (NM_001408411.1); and 72 more; short protein forms H1511fs, H1464fs, H1532fs, H407fs.
Identifiers: ClinVar variation 440477 (VCV000440477.3), dbSNP rs1555582009, ClinGen allele CA645509505.

ClinVar aggregate classification (germline): Pathogenic. Review status: reviewed by expert panel (3 of 4 stars). 2 submissions from 2 submitters: Pathogenic (1). 1 of the submissions does not count toward it. Last evaluated 2017-12-15.

Conditions:
Breast-ovarian cancer, familial, susceptibility to, 1 (BROVCA1). Also called: BRCA1 Hereditary Breast and Ovarian Cancer; OVARIAN CANCER, SUSCEPTIBILITY TO. Identifiers: Orphanet 145, MedGen C2676676, MONDO:0011450, OMIM 604370. Disease mechanism: loss of function.

Submissions (2):

Evidence-based Network for the Interpretation of Germline Mutant Alleles (ENIGMA)
Classification: Pathogenic for Breast-ovarian cancer, familial, susceptibility to, 1. Last evaluated: 2017-12-15. Review status: reviewed by expert panel. Criteria: ENIGMA BRCA1/2 Classification Criteria (2017-06-29). Collection method: curation. Allele origin: germline. Study: ENIGMA.
Comment: Variant allele predicted to encode a truncated non-functional protein.

Quest Diagnostics Nichols Institute San Juan Capistrano
Classification: Likely pathogenic. Last evaluated: 2017-07-08. Review status: criteria provided, single submitter. Criteria: Quest Diagnostics criteria. Collection method: clinical testing. Allele origin: germline. Not counted in ClinVar's aggregate classification.